The following is an entry in ClinVar:

NM_000047.3(ARSL):c.307+9C>G

Gene: ARSL (arylsulfatase L; minus strand). Cytogenetic location: Xp22.33.
Variant type: single nucleotide variant.
Coding change: c.307+9C>G on transcript NM_000047.3 (MANE Select); 9 bases into the intron after coding-DNA position 307, C replaced by G.
Molecular consequence: intron variant.
Genome position (GRCh38, 1-based): chrX:2,955,407, G>C on the plus strand (C>G on the coding strand, the complement: ARSL is on the minus strand). VCF-style: chrX-2955407-G-C. GRCh37 (hg19) VCF-style: chrX-2873448-G-C.
Other names: c.307+9C>G (NM_000047.2); c.382+9C>G (NM_001282628.2, NM_001369080.1); c.145+9C>G (NM_001282631.2); c.334+9C>G (NM_001369079.1).
Identifiers: ClinVar variation 1683202 (VCV001683202.10), dbSNP rs369969850, ClinGen allele CA10338224.

ClinVar aggregate classification (germline): Likely benign. Review status: criteria provided, single submitter (1 of 4 stars). 2 submissions from 2 submitters: Likely benign (1). 1 of the submissions does not count toward it. Last evaluated 2025-08-26.

Conditions:
Chondrodysplasia punctata, brachytelephalangic, autosomal. Also called: BRACHYTELEPHALANGIC CHONDRODYSPLASIA PUNCTATA. Identifiers: MedGen C1844853, MONDO:0011238, OMIM 602497.
ARSL-related disorder. Also called: ARSL-related condition.

Allele frequency attached by ClinVar (database versions not stated): gnomAD exomes 0.00004 and 0.00006; ExAC 0.00010; ESP Exome Variant Server 0.00028; gnomAD 0.00028 and 0.00029; TOPMed 0.00032.
gnomAD v4.1: 78 of 1,210,536 alleles (0.0064%); highest among the groups gnomAD compares: African/African-American, 0.087%; no homozygotes.

Submissions (2):

Labcorp Genetics (formerly Invitae), Labcorp
Classification: Likely benign for Chondrodysplasia punctata, brachytelephalangic, autosomal. Last evaluated: 2025-08-26. Review status: criteria provided, single submitter. Criteria: Invitae Variant Classification Sherloc (09022015). Collection method: clinical testing. Allele origin: germline.

PreventionGenetics, part of Exact Sciences
Classification: Likely benign for ARSL-related condition. Last evaluated: 2019-07-30. Review status: no assertion criteria provided. Collection method: clinical testing. Allele origin: germline. Not counted in ClinVar's aggregate classification.
Comment: This variant is classified as likely benign based on ACMG/AMP sequence variant interpretation guidelines (Richards et al. 2015 PMID: 25741868, with internal and published modifications).